The following is an entry in ClinVar:

NM_015512.5(DNAH1):c.8782C>G (p.Arg2928Gly)

Gene: DNAH1 (dynein axonemal heavy chain 1; plus strand). Cytogenetic location: 3p21.1.
Variant type: single nucleotide variant.
Coding change: c.8782C>G on transcript NM_015512.5 (MANE Select); coding-DNA position 8782, C replaced by G.
Protein change: p.Arg2928Gly; replaces arginine 2928 with glycine.
Molecular consequence: missense variant.
Genome position (GRCh38, 1-based): chr3:52,386,316, C>G. VCF-style: chr3-52386316-C-G. GRCh37 (hg19) VCF-style: chr3-52420332-C-G.
Other names: short protein forms R2928G.
Identifiers: ClinVar variation 2929127 (VCV002929127.2), dbSNP rs772814823, ClinGen allele CA2435317.

ClinVar aggregate classification (germline): Uncertain significance (1 of 4 stars; one submission).

Conditions:
Spermatogenic failure 18. Identifiers: MedGen C4539783, MONDO:0054615, OMIM 617576.
Ciliary dyskinesia, primary, 37 (CILD37). Also called: CILIARY DYSKINESIA, PRIMARY, 37, WITH OR WITHOUT SITUS INVERSUS. Identifiers: MedGen C4539798, MONDO:0033204, OMIM 617577.

gnomAD v4.1: 23 of 1,592,374 alleles (0.0014%); highest among the groups gnomAD compares: Non-Finnish European, 0.002%; no homozygotes.

Submission:

Labcorp Genetics (formerly Invitae), Labcorp
Classification: Uncertain significance for Ciliary dyskinesia, primary, 37; Spermatogenic failure 18. Last evaluated: 2023-09-24. Review status: criteria provided, single submitter. Criteria: Invitae Variant Classification Sherloc (09022015). Collection method: clinical testing. Allele origin: germline.
Comment: In summary, the available evidence is currently insufficient to determine the role of this variant in disease. Therefore, it has been classified as a Variant of Uncertain Significance. Advanced modeling of protein sequence and biophysical properties (such as structural, functional, and spatial information, amino acid conservation, physicochemical variation, residue mobility, and thermodynamic stability) performed at Invitae indicates that this missense variant is not expected to disrupt DNAH1 protein function. This variant has not been reported in the literature in individuals affected with DNAH1-related conditions. This variant is present in population databases (rs772814823, gnomAD 0.004%). This sequence change replaces arginine, which is basic and polar, with glycine, which is neutral and non-polar, at codon 2928 of the DNAH1 protein (p.Arg2928Gly).